The following is an entry in ClinVar:

ClinVar aggregate classification (germline): Likely benign. Review status: criteria provided, multiple submitters, no conflicts (2 of 4 stars). 3 submissions from 3 submitters: Likely benign (3). Last evaluated 2025-08-19.

Conditions:
Hereditary cancer-predisposing syndrome. Also called: Neoplastic Syndromes, Hereditary; Hereditary Cancer Syndrome; Tumor predisposition; Hereditary neoplastic syndrome. Identifiers: Orphanet 140162, MedGen C0027672, MeSH D009386, MONDO:0015356.
Familial cancer of breast. Also called: Hereditary breast cancer; BREAST CANCER, FAMILIAL; hereditary breast carcinoma. Identifiers: Orphanet 227535, MedGen C0346153, MONDO:0016419, OMIM 114480. Disease mechanism: loss of function.
Ataxia-telangiectasia syndrome (AT). Also called: LOUIS-BAR SYNDROME; Cerebello-oculocutaneous telangiectasia; Immunodeficiency with ataxia telangiectasia; Ataxia-telangiectasia, complementation group D; AT, COMPLEMENTATION GROUP C; Ataxia-telangiectasia, complementation group E. Identifiers: Orphanet 100, MedGen C0004135, MONDO:0008840, OMIM 208900.

Submissions (3):

Labcorp Genetics (formerly Invitae), Labcorp
Classification: Likely benign for Ataxia-telangiectasia syndrome. Last evaluated: 2025-08-19. Review status: criteria provided, single submitter. Criteria: Invitae Variant Classification Sherloc (09022015). Collection method: clinical testing. Allele origin: germline.

Myriad Genetics, Inc.
Classification: Likely benign for Familial cancer of breast. Last evaluated: 2024-06-06. Review status: criteria provided, single submitter. Criteria: Myriad Autosomal Dominant, Autosomal Recessive and X-Linked Classification Criteria (2023). Collection method: clinical testing. Allele origin: unknown.
Comment: This variant is considered likely benign. This variant is intronic and is not expected to impact mRNA splicing.

Color Diagnostics, LLC DBA Color Health
Classification: Likely benign for Hereditary cancer-predisposing syndrome. Last evaluated: 2017-07-18. Review status: criteria provided, single submitter. Criteria: ACMG Guidelines, 2015. Collection method: clinical testing. Allele origin: germline.

NM_000051.4(ATM):c.6452+7T>C

Genes: ATM (ATM serine/threonine kinase; plus strand), C11orf65 (chromosome 11 open reading frame 65; minus strand). Cytogenetic location: 11q22.3.
Variant type: single nucleotide variant.
Coding change: c.6452+7T>C on transcript NM_000051.4 (MANE Select); 7 bases into the intron after coding-DNA position 6452, T replaced by C.
Molecular consequence: intron variant.
Genome position (GRCh38, 1-based): chr11:108,320,065, T>C. VCF-style: chr11-108320065-T-C. GRCh37 (hg19) VCF-style: chr11-108190792-T-C.
Other names: c.6452+7T>C (NM_001351834.2); c.641-10994A>G (NM_001330368.2); c.*39-10994A>G (NM_001351110.2).
Identifiers: ClinVar variation 490657 (VCV000490657.51), dbSNP rs1555116551, ClinGen allele CA658683720.
Genomic context (GRCh38, chr11:108,320,065, plus strand): 5'-ATCTCTAAGAGACAGAGAATTCTCTACATTTTATGAAAGTCTCAAATATGCCAGGTATTA[T>C]GAAAAGACAAAGTTACTGTATTTTAACATTTAATGTCATGGCTTCTTTTCTGAAAACTTG-3'